The following is an entry in ClinVar:

ClinVar aggregate classification (germline): Uncertain significance (1 of 4 stars; one submission).

Conditions:
Parkinson disease, late-onset (PD). Also called: PARKINSON DISEASE, LATE-ONSET, SUSCEPTIBILITY TO; Susceptibility to Parkinson's Disease; Hereditary late onset Parkinson disease. Identifiers: Orphanet 411602, MedGen C3160718, MONDO:0008199, OMIM 168600.

Allele frequency attached by ClinVar (database versions not stated): gnomAD exomes below 0.00001; gnomAD 0.00001; TOPMed 0.00001.
gnomAD v4.1: 9 of 1,608,990 alleles (0.00056%); highest among the groups gnomAD compares: Non-Finnish European, 0.00068%; no homozygotes.

Submission:

Neuberg Centre For Genomic Medicine, NCGM
Classification: Uncertain significance for Parkinson disease, late-onset. Last evaluated: 2023-03-01. Review status: criteria provided, single submitter. Criteria: ACMG Guidelines, 2015. Collection method: clinical testing. Allele origin: germline. Inheritance: Autosomal dominant inheritance. Affected: yes.
Comment: The missense c.1066A>G(p.Ile356Val) variant in ADH1C gene has not been reported previously as a pathogenic variant nor as a benign variant, to our knowledge. The variant is reported with an allele frequency of 0.0004% in the gnomAD exomes database and is novel (not in any individuals) in 1000 Genomes database. This variant has not been reported to the ClinVar database. The amino acid change p.Ile356Val in ADH1C is predicted as conserved by GERP++ and PhyloP across 100 vertebrates. The amino acid Ile at position 356 is changed to a Val changing protein sequence and it might alter its composition and physico-chemical properties. For these reasons, this variant has been classified as Variant of Uncertain Significance (VUS).

NM_000669.5(ADH1C):c.1066A>G (p.Ile356Val)

Gene: ADH1C (alcohol dehydrogenase 1C (class I), gamma polypeptide; minus strand). Cytogenetic location: 4q23.
Variant type: single nucleotide variant.
Coding change: c.1066A>G on transcript NM_000669.5 (MANE Select); coding-DNA position 1066, A replaced by G.
Protein change: p.Ile356Val; replaces isoleucine 356 with valine.
Molecular consequence: missense variant. On other transcripts: non-coding transcript variant (1).
Genome position (GRCh38, 1-based): chr4:99,339,614, T>C on the plus strand (A>G on the coding strand, the complement: ADH1C is on the minus strand). VCF-style: chr4-99339614-T-C. GRCh37 (hg19) VCF-style: chr4-100260771-T-C.
Other names: short protein forms I356V.
Identifiers: ClinVar variation 2664885 (VCV002664885.1), dbSNP rs1339340687, ClinGen allele CA357486783.